The following is an entry in ClinVar:

NM_001363711.2(DUOX2):c.4627CAC[1] (p.His1544del)

Gene: DUOX2 (dual oxidase 2; minus strand). Cytogenetic location: 15q21.1.
Variant type: Microsatellite.
Coding change: c.4627CAC[1] on transcript NM_001363711.2 (MANE Select); one copy of the 3-base unit CAC starting at c.4627; the reference has two copies in a row; one copy, 3 bases deleted.
Protein change: p.His1544del; deletes histidine 1544.
Genome position (GRCh38, 1-based): chr15:45,094,165-45,094,167, GTG deleted on the plus strand (CAC on the coding strand, the reverse complement: DUOX2 is on the minus strand); deleting any 3 consecutive bases within chr15:45,094,165-45,094,170 gives the same sequence; the position shown is the placement nearest the transcript's 3' end. VCF-style (leftmost placement, unchanged base first): chr15-45094164-AGTG-A. GRCh37 (hg19) VCF-style: chr15-45386362-AGTG-A.
Other names: c.4627CAC[1], p.His1544del (NM_014080.5); short protein forms H1544del.
Identifiers: ClinVar variation 3684662 (VCV003684662.2).

ClinVar aggregate classification (germline): Uncertain significance (1 of 4 stars; one submission).

Submission:

Labcorp Genetics (formerly Invitae), Labcorp
Classification: Uncertain significance. Last evaluated: 2024-02-09. Review status: criteria provided, single submitter. Criteria: Invitae Variant Classification Sherloc (09022015). Collection method: clinical testing. Allele origin: germline.
Comment: This variant, c.4630_4632del, results in the deletion of 1 amino acid(s) of the DUOX2 protein (p.His1544del), but otherwise preserves the integrity of the reading frame. This variant is not present in population databases (gnomAD no frequency). This variant has not been reported in the literature in individuals affected with DUOX2-related conditions. Experimental studies and prediction algorithms are not available or were not evaluated, and the functional significance of this variant is currently unknown. In summary, the available evidence is currently insufficient to determine the role of this variant in disease. Therefore, it has been classified as a Variant of Uncertain Significance.